The following is an entry in ClinVar:

NM_001378120.1(MBD5):c.346dup (p.Met116fs)

Gene: MBD5 (methyl-CpG binding domain protein 5; plus strand). Cytogenetic location: 2q23.1.
Variant type: Duplication.
Coding change: c.346dup on transcript NM_001378120.1 (MANE Select); coding-DNA position 346, one base duplicated (A; older notation c.346dupA).
Protein change: p.Met116fs; shifts the reading frame from methionine 116.
Molecular consequence: frameshift variant.
Genome position (GRCh38, 1-based): chr2:148,463,868, A duplicated. VCF-style (leftmost placement, unchanged base first): chr2-148463867-C-CA. GRCh37 (hg19) VCF-style: chr2-149221436-C-CA.
Other names: c.346dup, p.Met116fs (NM_018328.5); short protein forms M116fs.
Identifiers: ClinVar variation 3235983 (VCV003235983.1), dbSNP rs2469819060, ClinGen allele CA2825000996.

ClinVar aggregate classification (germline): Likely pathogenic (1 of 4 stars; one submission).

Conditions:
Intellectual developmental disorder, autosomal dominant 1. Also called: Intellectual disability, autosomal dominant 1; MBD5 Haploinsufficiency. Identifiers: Orphanet 228402, MedGen C1969562, MONDO:0007974, OMIM 156200.

Submission:

MVZ Medizinische Genetik Mainz
Classification: Likely pathogenic for Intellectual developmental disorder, autosomal dominant 1. Last evaluated: 2021-10-26. Review status: criteria provided, single submitter. Criteria: UK Practice Guidelines For Variant Classification V4 01 2020. Collection method: clinical testing. Allele origin: germline. Inheritance: Autosomal dominant inheritance. Affected: yes. Observed: 1 variant allele.
Comment: ACMG Criteria: PVS1, PM2_SUP